The following is an entry in ClinVar:

NM_144644.4(SPATA4):c.596del (p.Ser199fs)

Gene: SPATA4 (spermatogenesis associated 4; minus strand). Cytogenetic location: 4q34.2.
Variant type: Deletion.
Coding change: c.596del on transcript NM_144644.4 (MANE Select); coding-DNA position 596, one base deleted (G; older notation c.596delG).
Protein change: p.Ser199fs; shifts the reading frame from serine 199.
Molecular consequence: frameshift variant.
Genome position (GRCh38, 1-based): chr4:176,192,719, C deleted on the plus strand (G on the coding strand, the reverse complement: SPATA4 is on the minus strand). VCF-style (leftmost placement, unchanged base first): chr4-176192718-GC-G. GRCh37 (hg19) VCF-style: chr4-177113869-GC-G.
Other names: short protein forms S199fs.
Identifiers: ClinVar variation 4880055 (VCV004880055.1).

ClinVar aggregate classification (germline): Pathogenic (1 of 4 stars; one submission).

Conditions:
Primary ciliary dyskinesia. Also called: Ciliary dyskinesia. Identifiers: Orphanet 244, MedGen C0008780, MONDO:0016575, HP:0012265.

Submission:

Department of Human Genetics, Hannover Medical School
Classification: Pathogenic for Primary Ciliary Dyskinesia. Last evaluated: 2026-04-01. Review status: criteria provided, single submitter. Criteria: ACMG Guidelines, 2015. Collection method: research. Allele origin: germline. Affected: no.
Comment: Classification performed by HerediClassify using the following criteria:['PM2_supporting: Variant occures does not occur as homozygous in gnomAD.', 'PVS1_protein_very_strong: Transcript ENST00000280191 is predicted to undergo NMD.', "PP4_supporting: The modified PICADAR socre of 2.0 exceeds threshold of 2 achieving 'supporting' evidence strength."]